The following is an entry in ClinVar:

ClinVar aggregate classification (germline): Uncertain significance. Review status: criteria provided, multiple submitters, no conflicts (2 of 4 stars). 3 submissions from 3 submitters: Uncertain significance (3). Last evaluated 2025-12-17.

Conditions:
Charcot-Marie-Tooth disease type 2A1. Also called: CHARCOT-MARIE-TOOTH DISEASE, AXONAL, TYPE 2A1; CHARCOT-MARIE-TOOTH DISEASE, AXONAL, AUTOSOMAL DOMINANT, TYPE 2A1; CHARCOT-MARIE-TOOTH DISEASE, NEURONAL, TYPE 2A1; CHARCOT-MARIE-TOOTH NEUROPATHY, TYPE 2A1; HEREDITARY MOTOR AND SENSORY NEUROPATHY IIA1. Identifiers: Orphanet 99946, MedGen C1861678, MONDO:0007308, OMIM 118210.
Neuroblastoma, susceptibility to, 1. Identifiers: MedGen C2749485, MONDO:0009741, OMIM 256700.
Charcot-Marie-Tooth disease type 2. Also called: Charcot-Marie-Tooth type 2. Identifiers: Orphanet 64746, MedGen C0270914, MONDO:0018993.

Allele frequency attached by ClinVar (database versions not stated): gnomAD 0.00002; gnomAD exomes 0.00001; TOPMed 0.00003.
gnomAD v4.1: 20 of 1,613,068 alleles (0.0012%); highest among the groups gnomAD compares: African/African-American, 0.0027%; no homozygotes.

Submissions (3):

Labcorp Genetics (formerly Invitae), Labcorp
Classification: Uncertain significance for Charcot-Marie-Tooth disease type 2. Last evaluated: 2025-12-17. Review status: criteria provided, single submitter. Criteria: Invitae Variant Classification Sherloc (09022015). Collection method: clinical testing. Allele origin: germline.
Comment: This sequence change replaces lysine, which is basic and polar, with arginine, which is basic and polar, at codon 261 of the KIF1B protein (p.Lys261Arg). This variant is present in population databases (no rsID available, gnomAD 0.003%). This variant has not been reported in the literature in individuals affected with KIF1B-related conditions. ClinVar contains an entry for this variant (Variation ID: 955990). Invitae Evidence Modeling of protein sequence and biophysical properties (such as structural, functional, and spatial information, amino acid conservation, physicochemical variation, residue mobility, and thermodynamic stability) has been performed for this missense variant. However, the output from this modeling did not meet the statistical confidence thresholds required to predict the impact of this variant on KIF1B protein function. In summary, the available evidence is currently insufficient to determine the role of this variant in disease. Therefore, it has been classified as a Variant of Uncertain Significance.

Ambry Genetics
Classification: Uncertain significance. Last evaluated: 2025-07-01. Review status: criteria provided, single submitter. Criteria: Ambry Variant Classification Scheme 2023. Collection method: clinical testing. Allele origin: germline.
Comment: The p.K261R variant (also known as c.782A>G), located in coding exon 7 of the KIF1B gene, results from an A to G substitution at nucleotide position 782. The lysine at codon 261 is replaced by arginine, an amino acid with highly similar properties. This amino acid position is highly conserved in available vertebrate species. In addition, this alteration is predicted to be tolerated by in silico analysis. The evidence for this gene-disease relationship is limited; therefore, the clinical significance of this alteration is unclear.

Fulgent Genetics
Classification: Uncertain significance for Charcot-Marie-Tooth disease type 2A1; Neuroblastoma, susceptibility to, 1. Last evaluated: 2024-06-12. Review status: criteria provided, single submitter. Criteria: ACMG Guidelines, 2015. Collection method: clinical testing. Allele origin: germline.

NM_001365951.3(KIF1B):c.782A>G (p.Lys261Arg)

Gene: KIF1B (kinesin family member 1B; plus strand). Cytogenetic location: 1p36.22.
Variant type: single nucleotide variant.
Coding change: c.782A>G on transcript NM_001365951.3 (MANE Select); coding-DNA position 782, A replaced by G.
Protein change: p.Lys261Arg; replaces lysine 261 with arginine.
Molecular consequence: missense variant.
Genome position (GRCh38, 1-based): chr1:10,271,563, A>G. VCF-style: chr1-10271563-A-G. GRCh37 (hg19) VCF-style: chr1-10331621-A-G.
Other names: c.782A>G, p.Lys261Arg (NM_001365952.1, NM_001365953.1, NM_015074.3 and 1 more transcripts); short protein forms K261R.
Identifiers: ClinVar variation 955990 (VCV000955990.14), dbSNP rs868622074, ClinGen allele CA17837951.